The following is an entry in ClinVar:

ClinVar aggregate classification (germline): Likely pathogenic (1 of 4 stars; one submission).

Conditions:
Hereditary spastic paraplegia 47. Also called: CEREBRAL PALSY, SPASTIC QUADRIPLEGIC, 5; Spastic paraplegia 47, autosomal recessive; adaptor protein 4 (AP-4) deficiency syndrome. Identifiers: Orphanet 280763, MedGen C3279738, MONDO:0013551, OMIM 614066.

Submission:

3billion
Classification: Likely pathogenic for Hereditary spastic paraplegia 47. Last evaluated: 2024-06-27. Review status: criteria provided, single submitter. Criteria: ACMG Guidelines, 2015. Collection method: clinical testing. Allele origin: germline. Affected: yes.
Comment: The variant is not observed in the gnomAD v4.0.0 dataset. Predicted Consequence/Location: Stop-gained (nonsense): predicted to result in a loss or disruption of normal protein function through nonsense-mediated decay (NMD) or protein truncation. Multiple pathogenic variants are reported downstream of the variant. Therefore, this variant is classified as Likely pathogenic according to the recommendation of ACMG/AMP guideline.

NM_001253852.3(AP4B1):c.190C>T (p.Gln64Ter)

Gene: AP4B1 (adaptor related protein complex 4 subunit beta 1; minus strand). Cytogenetic location: 1p13.2.
Variant type: single nucleotide variant.
Coding change: c.190C>T on transcript NM_001253852.3 (MANE Select); coding-DNA position 190, C replaced by T.
Protein change: p.Gln64Ter; replaces glutamine 64 with a stop codon.
Molecular consequence: nonsense. On other transcripts: intron variant (6).
Genome position (GRCh38, 1-based): chr1:113,902,786, G>A on the plus strand (C>T on the coding strand, the complement: AP4B1 is on the minus strand). VCF-style: chr1-113902786-G-A. GRCh37 (hg19) VCF-style: chr1-114445408-G-A.
Other names: c.190C>T, p.Gln64Ter (NM_001438373.1, NM_001438374.1, NM_001438375.1 and 2 more transcripts); c.113+1819C>T (NM_001438376.1, NM_001438379.1, NM_001308312.2); c.114-901C>T (NM_001438377.1, NM_001437822.1); c.-56-52C>T (NM_001253853.3); short protein forms Q64*.
Identifiers: ClinVar variation 4292468 (VCV004292468.1).